The following is an entry in ClinVar:

NM_013266.4(CTNNA3):c.1237G>A (p.Glu413Lys)

Gene: CTNNA3 (catenin alpha 3; minus strand). Cytogenetic location: 10q21.3.
Variant type: single nucleotide variant.
Coding change: c.1237G>A on transcript NM_013266.4 (MANE Select); coding-DNA position 1237, G replaced by A.
Protein change: p.Glu413Lys; replaces glutamic acid 413 with lysine.
Molecular consequence: missense variant.
Genome position (GRCh38, 1-based): chr10:66,766,308, C>T on the plus strand (G>A on the coding strand, the complement: CTNNA3 is on the minus strand). VCF-style: chr10-66766308-C-T. GRCh37 (hg19) VCF-style: chr10-68526066-C-T.
Other names: c.1237G>A, p.Glu413Lys (NM_001127384.3); short protein forms E413K.
Identifiers: ClinVar variation 3837214 (VCV003837214.1).

ClinVar aggregate classification (germline): Uncertain significance (1 of 4 stars; one submission).

gnomAD v4.1: 2 of 1,613,794 alleles (0.00012%); highest among the groups gnomAD compares: African/African-American, 0.0013%; no homozygotes.

Submission:

Ambry Genetics
Classification: Uncertain significance. Last evaluated: 2025-03-04. Review status: criteria provided, single submitter. Criteria: Ambry Variant Classification Scheme 2023. Collection method: clinical testing. Allele origin: germline.
Comment: The p.E413K variant (also known as c.1237G>A), located in coding exon 8 of the CTNNA3 gene, results from a G to A substitution at nucleotide position 1237. The glutamic acid at codon 413 is replaced by lysine, an amino acid with similar properties. This amino acid position is conserved. In addition, the in silico prediction for this alteration is inconclusive. Based on the available evidence, the clinical significance of this variant remains unclear.